The following is an entry in ClinVar:

ClinVar aggregate classification (germline): Uncertain significance (1 of 4 stars; one submission).

Conditions:
Hereditary cancer-predisposing syndrome. Also called: Neoplastic Syndromes, Hereditary; Tumor predisposition; Hereditary Cancer Syndrome; Hereditary neoplastic syndrome. Identifiers: Orphanet 140162, MedGen C0027672, MeSH D009386, MONDO:0015356.

Submission:

Ambry Genetics
Classification: Uncertain significance for Hereditary cancer-predisposing syndrome. Last evaluated: 2022-09-20. Review status: criteria provided, single submitter. Criteria: Ambry Variant Classification Scheme 2023. Collection method: clinical testing. Allele origin: germline.
Comment: The p.F1271L variant (also known as c.3811T>C), located in coding exon 26 of the SMARCA4 gene, results from a T to C substitution at nucleotide position 3811. The phenylalanine at codon 1271 is replaced by leucine, an amino acid with highly similar properties. This amino acid position is highly conserved in available vertebrate species. In addition, this alteration is predicted to be tolerated by in silico analysis. Missense and in-frame variants in SMARCA4 are known to cause neurodevelopmental disorders; however, such associations with rhabdoid tumor predisposition syndrome including small cell carcinoma of the ovary-hypercalcemic type (SCCOHT) are exceedingly rare (Kosho T et al. Am J Med Genet C Semin Med Genet. 2014 Sep;166C(3):262-75; Jelinic P et al. Nat Genet. 2014 May;46(5):424-6). Based on the supporting evidence, the association of this alteration with Coffin-Siris syndrome is unknown; however, the association of this alteration with rhabdoid tumor predisposition syndrome is unlikely.

NM_003072.5(SMARCA4):c.3811T>C (p.Phe1271Leu)

Gene: SMARCA4 (SWI/SNF related BAF chromatin remodeling complex subunit ATPase 4; plus strand). Cytogenetic location: 19p13.2.
Variant type: single nucleotide variant.
Coding change: c.3811T>C on transcript NM_003072.5 (MANE Select); coding-DNA position 3811, T replaced by C.
Protein change: p.Phe1271Leu; replaces phenylalanine 1271 with leucine.
Molecular consequence: missense variant. On other transcripts: intron variant (5).
Genome position (GRCh38, 1-based): chr19:11,033,803, T>C. VCF-style: chr19-11033803-T-C. GRCh37 (hg19) VCF-style: chr19-11144479-T-C.
Other names: c.3811T>C, p.Phe1271Leu (NM_001128844.3, NM_001128849.3, NM_001387283.1); c.3774+286T>C (NM_001128847.4, NM_001374457.1, NM_001128845.2 and 2 more transcripts); short protein forms F1271L.
Identifiers: ClinVar variation 1735166 (VCV001735166.2), dbSNP rs2146666103, ClinGen allele CA404066553.